The following is an entry in ClinVar:

NC_012920.1(MT-ATP6):m.9106A>G

Gene: MT-ATP6 (mitochondrially encoded ATP synthase 6; plus strand).
Variant type: single nucleotide variant.
Genome position: chrM-9106-A-G.
Identifiers: ClinVar variation 693095 (VCV000693095.1), dbSNP rs1603222082, ClinGen allele CA414802226.
Genomic context (GRCh38, chrMT:9,106, plus strand): 5'-ATTGGAAGCGCCACCCTAGCAATATCAACCATTAACCTTCCCTCTACACTTATCATCTTC[A>G]CAATTCTAATTCTACTGACTATCCTAGAAATCGCTGTCGCCTTAATCCAAGCCTACGTTT-3'

ClinVar aggregate classification (germline): Uncertain significance (1 of 4 stars; one submission).

Conditions:
Leigh syndrome (NULS). Also called: Leigh's necrotizing encephalopathy; Leigh's disease; Leigh Syndrome (mtDNA deletion); Leigh Disease; Subacute necrotizing encephalopathy; Necrotizing encephalopathy infantile subacute of Leigh. Identifiers: Orphanet 506, MedGen C2931891, MONDO:0009723, OMIM 256000.

Submission:

Wong Mito Lab, Molecular and Human Genetics, Baylor College of Medicine
Classification: Uncertain significance for Leigh syndrome. Last evaluated: 2019-10-17. Review status: criteria provided, single submitter. Criteria: Modified ACMG Guidelines (Unpublished). Collection method: clinical testing. Allele origin: germline.
Comment: The NC_012920.1:m.9106A>G (YP_003024031.1:p.Thr194Ala) variant in MTATP6 gene is interpretated to be a Uncertain Significance variant based on the modified ACMG guidelines (unpublished). This variant meets the following evidence codes: BS1